The following is an entry in ClinVar:

ClinVar aggregate classification (germline): Uncertain significance. Review status: criteria provided, multiple submitters, no conflicts (2 of 4 stars). 2 submissions from 2 submitters: Uncertain significance (2). Last evaluated 2025-12-15.

Conditions:
Inborn genetic diseases. Identifiers: MedGen C0950123, MeSH D030342.

gnomAD v4.1: 3 of 1,612,776 alleles (0.00019%); highest among the groups gnomAD compares: Non-Finnish European, 0.00025%; no homozygotes.

Submissions (2):

Ambry Genetics
Classification: Uncertain significance for Inborn genetic diseases. Last evaluated: 2025-12-15. Review status: criteria provided, single submitter. Criteria: Ambry Variant Classification Scheme 2023. Collection method: clinical testing. Allele origin: germline.

Labcorp Genetics (formerly Invitae), Labcorp
Classification: Uncertain significance. Last evaluated: 2025-01-29. Review status: criteria provided, single submitter. Criteria: Invitae Variant Classification Sherloc (09022015). Collection method: clinical testing. Allele origin: germline.
Comment: This sequence change replaces alanine, which is neutral and non-polar, with proline, which is neutral and non-polar, at codon 1341 of the SAMD9L protein (p.Ala1341Pro). This variant is present in population databases (rs777193115, gnomAD 0.002%). This variant has not been reported in the literature in individuals affected with SAMD9L-related conditions. ClinVar contains an entry for this variant (Variation ID: 3437161). Invitae Evidence Modeling of protein sequence and biophysical properties (such as structural, functional, and spatial information, amino acid conservation, physicochemical variation, residue mobility, and thermodynamic stability) indicates that this missense variant is not expected to disrupt SAMD9L protein function with a negative predictive value of 80%. In summary, the available evidence is currently insufficient to determine the role of this variant in disease. Therefore, it has been classified as a Variant of Uncertain Significance.

NM_152703.5(SAMD9L):c.4021G>C (p.Ala1341Pro)

Gene: SAMD9L (sterile alpha motif domain containing 9 like; minus strand). Cytogenetic location: 7q21.2.
Variant type: single nucleotide variant.
Coding change: c.4021G>C on transcript NM_152703.5 (MANE Select); coding-DNA position 4021, G replaced by C.
Protein change: p.Ala1341Pro; replaces alanine 1341 with proline.
Molecular consequence: missense variant.
Genome position (GRCh38, 1-based): chr7:93,131,951, C>G on the plus strand (G>C on the coding strand, the complement: SAMD9L is on the minus strand). VCF-style: chr7-93131951-C-G. GRCh37 (hg19) VCF-style: chr7-92761264-C-G.
Other names: c.4021G>C, p.Ala1341Pro (NM_001303496.3, NM_001303497.3, NM_001303498.3 and 5 more transcripts); short protein forms A1341P.
Identifiers: ClinVar variation 3437161 (VCV003437161.4).